The following is an entry in ClinVar:

NM_015294.6(TRIM37):c.1207dup (p.Val403fs)

Gene: TRIM37 (tripartite motif containing 37; minus strand). Cytogenetic location: 17q22.
Variant type: Duplication.
Coding change: c.1207dup on transcript NM_015294.6 (MANE Select); coding-DNA position 1207, one base duplicated (G; older notation c.1207dupG).
Protein change: p.Val403fs; shifts the reading frame from valine 403.
Molecular consequence: frameshift variant. On other transcripts: non-coding transcript variant (2).
Genome position (GRCh38, 1-based): chr17:59,051,321, C duplicated on the plus strand (G on the coding strand, the reverse complement: TRIM37 is on the minus strand); the first of 2 consecutive C bases (chr17:59,051,321-59,051,322); duplicating either gives the same sequence. VCF-style (leftmost placement, unchanged base first): chr17-59051320-A-AC. GRCh37 (hg19) VCF-style: chr17-57128681-A-AC.
Other names: c.1207dup, p.Val403fs (NM_001005207.5, NM_001320988.3, NM_001320989.3 and 1 more transcripts); c.1105dup, p.Val369fs (NM_001320987.3, NM_001353082.2); c.841dup, p.Val281fs (NM_001320990.3); c.472dup, p.Val158fs (NM_001353083.2); c.745dup, p.Val249fs (NM_001353085.2); c.1156dup, p.Val386fs (NM_001353086.2); short protein forms V158fs, V249fs, V281fs, V369fs, V386fs, V403fs.
Identifiers: ClinVar variation 2695468 (VCV002695468.3), dbSNP rs2545635749, ClinGen allele CA2697560036.

ClinVar aggregate classification (germline): Pathogenic (1 of 4 stars; one submission).

Submission:

Labcorp Genetics (formerly Invitae), Labcorp
Classification: Pathogenic. Last evaluated: 2023-11-13. Review status: criteria provided, single submitter. Criteria: Invitae Variant Classification Sherloc (09022015). Collection method: clinical testing. Allele origin: germline.
Comment: This sequence change creates a premature translational stop signal (p.Val403Glyfs*26) in the TRIM37 gene. It is expected to result in an absent or disrupted protein product. Loss-of-function variants in TRIM37 are known to be pathogenic (PMID: 10888877, 15108285). This variant is not present in population databases (gnomAD no frequency). This variant has not been reported in the literature in individuals affected with TRIM37-related conditions. For these reasons, this variant has been classified as Pathogenic.

Literature cited by the submitters: PubMed 10888877; PubMed 15108285.